The following is an entry in ClinVar:

ClinVar aggregate classification (germline): Uncertain significance (1 of 4 stars; one submission).

Conditions:
Pulmonary fibrosis and/or bone marrow failure, Telomere-related, 3. Also called: PULMONARY FIBROSIS AND/OR BONE MARROW FAILURE SYNDROME, TELOMERE-RELATED, 3. Identifiers: Orphanet 2032, MedGen C4225346, MONDO:0014613, OMIM 616373.
Dyskeratosis congenita, autosomal recessive 5 (DKCB5). Identifiers: MedGen C3554656, MONDO:0014076, OMIM 615190.

Submission:

Labcorp Genetics (formerly Invitae), Labcorp
Classification: Uncertain significance for Dyskeratosis congenita, autosomal recessive 5; Pulmonary fibrosis and/or bone marrow failure, Telomere-related, 3. Last evaluated: 2022-11-01. Review status: criteria provided, single submitter. Criteria: Invitae Variant Classification Sherloc (09022015). Collection method: clinical testing. Allele origin: germline.
Comment: This variant is not present in population databases (gnomAD no frequency). This variant has not been reported in the literature in individuals affected with RTEL1-related conditions. Algorithms developed to predict the effect of missense changes on protein structure and function are either unavailable or do not agree on the potential impact of this missense change (SIFT: "Deleterious"; PolyPhen-2: "Probably Damaging"; Align-GVGD: "Class C0"). In summary, the available evidence is currently insufficient to determine the role of this variant in disease. Therefore, it has been classified as a Variant of Uncertain Significance. This sequence change replaces valine, which is neutral and non-polar, with methionine, which is neutral and non-polar, at codon 728 of the RTEL1 protein (p.Val728Met).

NM_001283009.2(RTEL1):c.2182G>A (p.Val728Met)

Genes: RTEL1 (regulator of telomere elongation helicase 1; plus strand), RTEL1-TNFRSF6B (RTEL1-TNFRSF6B readthrough (NMD candidate); plus strand). Cytogenetic location: 20q13.33.
Variant type: single nucleotide variant.
Coding change: c.2182G>A on transcript NM_001283009.2 (MANE Select); coding-DNA position 2182, G replaced by A.
Protein change: p.Val728Met; replaces valine 728 with methionine.
Molecular consequence: missense variant. On other transcripts: non-coding transcript variant (1).
Genome position (GRCh38, 1-based): chr20:63,690,127, G>A. VCF-style: chr20-63690127-G-A. GRCh37 (hg19) VCF-style: chr20-62321480-G-A.
Other names: c.1513G>A, p.Val505Met (NM_001283010.1); c.2182G>A, p.Val728Met (NM_016434.4); c.2254G>A, p.Val752Met (NM_032957.5); short protein forms V505M, V752M, V728M.
Identifiers: ClinVar variation 2005687 (VCV002005687.4), dbSNP rs2517138631, ClinGen allele CA409679729.